The following is an entry in ClinVar:

NM_018180.3(DHX32):c.665T>C (p.Ile222Thr)

Gene: DHX32 (DEAH-box helicase 32 (putative); minus strand). Cytogenetic location: 10q26.2.
Variant type: single nucleotide variant.
Coding change: c.665T>C on transcript NM_018180.3 (MANE Select); coding-DNA position 665, T replaced by C.
Protein change: p.Ile222Thr; replaces isoleucine 222 with threonine.
Molecular consequence: missense variant.
Genome position (GRCh38, 1-based): chr10:125,859,787, A>G on the plus strand (T>C on the coding strand, the complement: DHX32 is on the minus strand). VCF-style: chr10-125859787-A-G. GRCh37 (hg19) VCF-style: chr10-127548356-A-G.
Other names: short protein forms I222T.
Identifiers: ClinVar variation 3501580 (VCV003501580.3).
Genomic context (GRCh38, chr10:125,859,787, plus strand): 5'-GGGTGTTTATTTTTCACTTCTATGACAGGCACGTTTCCATAATAAGAATTGAGTTTGCTG[A>G]TCAGGTGAGGTGAGGAGTTAATTATGAGCTTCAGTTCTGGTCTTGCTAGTAAAACATCTT-3'
Protein context (NP_060650.2, residues 212-232): KLIINSSPHL[Ile222Thr]SKLNSYYGNV

ClinVar aggregate classification (germline): Uncertain significance. Review status: criteria provided, multiple submitters, no conflicts (2 of 4 stars). 2 submissions from 2 submitters: Uncertain significance (2). Last evaluated 2025-05-14.

gnomAD v4.1: 9 of 1,614,070 alleles (0.00056%); highest among the groups gnomAD compares: Non-Finnish European, 0.00068%; no homozygotes.

Submissions (2):

Labcorp Genetics (formerly Invitae), Labcorp
Classification: Uncertain significance. Last evaluated: 2025-05-14. Review status: criteria provided, single submitter. Criteria: Invitae Variant Classification Sherloc (09022015). Collection method: clinical testing. Allele origin: germline.
Comment: This sequence change replaces isoleucine, which is neutral and non-polar, with threonine, which is neutral and polar, at codon 222 of the DHX32 protein (p.Ile222Thr). This variant is present in population databases (no rsID available, gnomAD 0.0009%). This variant has not been reported in the literature in individuals affected with DHX32-related conditions. ClinVar contains an entry for this variant (Variation ID: 3501580). An algorithm developed to predict the effect of missense changes on protein structure and function outputs the following: PolyPhen-2: "Benign". The threonine amino acid residue is found in multiple mammalian species, which suggests that this missense change does not adversely affect protein function. In summary, the available evidence is currently insufficient to determine the role of this variant in disease. Therefore, it has been classified as a Variant of Uncertain Significance.

Ambry Genetics
Classification: Uncertain significance. Last evaluated: 2024-10-01. Review status: criteria provided, single submitter. Criteria: Ambry Variant Classification Scheme 2023. Collection method: clinical testing. Allele origin: germline.